The following is an entry in ClinVar:

NM_001109809.5(ZFP57):c.1118C>G (p.Ser373Cys)

Gene: ZFP57 (ZFP57 zinc finger protein; minus strand). Cytogenetic location: 6p22.1.
Variant type: single nucleotide variant.
Coding change: c.1118C>G on transcript NM_001109809.5 (MANE Select); coding-DNA position 1118, C replaced by G.
Protein change: p.Ser373Cys; replaces serine 373 with cysteine.
Molecular consequence: missense variant.
Genome position (GRCh38, 1-based): chr6:29,672,993, G>C on the plus strand (C>G on the coding strand, the complement: ZFP57 is on the minus strand). VCF-style: chr6-29672993-G-C. GRCh37 (hg19) VCF-style: chr6-29640770-G-C.
Other names: c.902C>G, p.Ser301Cys (NM_001366333.2); short protein forms S373C, S301C.
Identifiers: ClinVar variation 130769 (VCV000130769.17), dbSNP rs193232883, ClinGen allele CA231658.

ClinVar aggregate classification (germline): Conflicting classifications of pathogenicity. Review status: criteria provided, conflicting classifications (1 of 4 stars). 5 submissions from 5 submitters: Uncertain significance (1); Benign (1); Likely benign (3). Last evaluated 2025-11-19.

Conditions:
Diabetes mellitus, transient neonatal, 1 (TNDM1). Also called: Diabetes Mellitus, 6q24-Related Transient Neonatal. Identifiers: Orphanet 99886, MedGen C1832386, MONDO:0011073, OMIM 601410.

Allele frequency attached by ClinVar (database versions not stated): gnomAD 0.00022 and 0.00046; TOPMed 0.00037; ExAC 0.00148; 1000 Genomes Project 30x 0.00312; 1000 Genomes Project 0.00339; gnomAD exomes 0.00058 and 0.00132.
gnomAD v4.1: 1,093 of 1,613,098 alleles (0.068%); highest among the groups gnomAD compares: South Asian, 0.71%; 12 homozygotes.

Submissions (5):

Labcorp Genetics (formerly Invitae), Labcorp
Classification: Benign. Last evaluated: 2025-11-19. Review status: criteria provided, single submitter. Criteria: Invitae Variant Classification Sherloc (09022015). Collection method: clinical testing. Allele origin: germline.

Blueprint Genetics
Classification: Likely benign. Last evaluated: 2024-11-25. Review status: criteria provided, single submitter. Criteria: ACMG Guidelines, 2015. Collection method: clinical testing. Allele origin: germline.

ARUP Laboratories, Molecular Genetics and Genomics, ARUP Laboratories
Classification: Likely benign for Diabetes mellitus, transient neonatal, 1. Last evaluated: 2023-08-31. Review status: criteria provided, single submitter. Criteria: ARUP Molecular Germline Variant Investigation Process 2024. Collection method: clinical testing. Allele origin: germline.

Illumina Laboratory Services, Illumina
Classification: Likely benign for Diabetes mellitus, transient neonatal, 1. Last evaluated: 2018-01-12. Review status: criteria provided, single submitter. Criteria: ICSL Variant Classification Criteria 13 December 2019. Collection method: clinical testing. Allele origin: germline.
Comment: This variant was observed in the ICSL laboratory as part of a predisposition screen in an ostensibly healthy population. It had not been previously curated by ICSL or reported in the Human Gene Mutation Database (HGMD: prior to June 1st, 2018), and was therefore a candidate for classification through an automated scoring system. Utilizing variant allele frequency, disease prevalence and penetrance estimates, and inheritance mode, an automated score was calculated to assess if this variant is too frequent to cause the disease. Based on the score and internal cut-off values, a variant classified as likely benign is not then subjected to further curation. The score for this variant resulted in a classification of likely benign for this disease.

Genetic Services Laboratory, University of Chicago
Classification: Uncertain significance. Last evaluated: 2013-11-04. Review status: criteria provided, single submitter. Criteria: ACMG Guidelines, 2007. Collection method: clinical testing. Allele origin: germline. Inheritance: Autosomal recessive inheritance.